The following is an entry in ClinVar:

ClinVar aggregate classification (germline): Pathogenic (1 of 4 stars; one submission).

Submission:

Labcorp Genetics (formerly Invitae), Labcorp
Classification: Pathogenic. Last evaluated: 2021-05-24. Review status: criteria provided, single submitter. Criteria: Invitae Variant Classification Sherloc (09022015). Collection method: clinical testing. Allele origin: germline.
Comment: This variant results in the deletion of exon 10 and part of exon 9 (c.1369_*369181del) of the FH gene. While this deletion is not anticipated to lead to nonsense mediated decay, it is expected to alter mRNA translation or result in a truncated protein product. For these reasons, this variant has been classified as Pathogenic. This variant disrupts the C-terminus of the FH protein. Other variant(s) that disrupt this region (p.Gly490Alafs*12, p.Leu492Hisfs*6, p.Glu495Valfs*2, and p.Trp500*) have been determined to be pathogenic (PMID: 12772087, 21404119, 16597677, 9635293, 21398687). This suggests that variants that disrupt this region of the protein are likely to be causative of disease. This variant has not been reported in the literature in individuals with FH-related conditions.

Literature cited by the submitters: PubMed 12772087; PubMed 21404119; PubMed 16597677; PubMed 9635293; PubMed 21398687.

NC_000001.10:g.(?_241291947)_(241663758_?)del

Genes: FH (fumarate hydratase; minus strand), RGS7 (regulator of G protein signaling 7; minus strand). Cytogenetic location: 1q43.
Variant type: Deletion.
Identifiers: ClinVar variation 1457152 (VCV001457152.44).